The following is an entry in ClinVar:

ClinVar aggregate classification (germline): Uncertain significance (1 of 4 stars; one submission).

Conditions:
Left ventricular noncompaction 8 (LVNC8). Identifiers: Orphanet 154, Orphanet 54260, MedGen C3809288, MONDO:0014152, OMIM 615373.

Submission:

Labcorp Genetics (formerly Invitae), Labcorp
Classification: Uncertain significance for Left ventricular noncompaction 8. Last evaluated: 2024-10-15. Review status: criteria provided, single submitter. Criteria: Invitae Variant Classification Sherloc (09022015). Collection method: clinical testing. Allele origin: germline.
Comment: This sequence change replaces serine, which is neutral and polar, with threonine, which is neutral and polar, at codon 1250 of the PRDM16 protein (p.Ser1250Thr). This variant is not present in population databases (gnomAD no frequency). This variant has not been reported in the literature in individuals affected with PRDM16-related conditions. ClinVar contains an entry for this variant (Variation ID: 541386). An algorithm developed to predict the effect of missense changes on protein structure and function (PolyPhen-2) suggests that this variant is likely to be tolerated. In summary, the available evidence is currently insufficient to determine the role of this variant in disease. Therefore, it has been classified as a Variant of Uncertain Significance.

NM_022114.4(PRDM16):c.3748T>A (p.Ser1250Thr)

Gene: PRDM16 (PR/SET domain 16; plus strand). Cytogenetic location: 1p36.32.
Variant type: single nucleotide variant.
Coding change: c.3748T>A on transcript NM_022114.4 (MANE Select); coding-DNA position 3748, T replaced by A.
Protein change: p.Ser1250Thr; replaces serine 1250 with threonine.
Molecular consequence: missense variant. On other transcripts: intron variant (1).
Genome position (GRCh38, 1-based): chr1:3,433,728, T>A. VCF-style: chr1-3433728-T-A. GRCh37 (hg19) VCF-style: chr1-3350292-T-A.
Other names: c.3697-6T>A (NM_199454.3); short protein forms S1250T.
Identifiers: ClinVar variation 541386 (VCV000541386.8), dbSNP rs1553180663, ClinGen allele CA338005717.